The following is an entry in ClinVar:

ClinVar aggregate classification (germline): Pathogenic (1 of 4 stars; one submission).

Conditions:
Methylcobalamin deficiency type cblE (HMAE). Also called: HOMOCYSTINURIA-MEGALOBLASTIC ANEMIA, cblE COMPLEMENTATION TYPE; HOMOCYSTINURIA-MEGALOBLASTIC ANEMIA, cblE TYPE; VITAMIN B12-RESPONSIVE HOMOCYSTINURIA, cblE TYPE. Identifiers: Orphanet 2169, Orphanet 622, MedGen C1856057, MONDO:0009354, OMIM 236270.

Submission:

Labcorp Genetics (formerly Invitae), Labcorp
Classification: Pathogenic for Methylcobalamin deficiency type cblE. Last evaluated: 2023-04-28. Review status: criteria provided, single submitter. Criteria: Invitae Variant Classification Sherloc (09022015). Collection method: clinical testing. Allele origin: germline.
Comment: For these reasons, this variant has been classified as Pathogenic. Algorithms developed to predict the effect of sequence changes on RNA splicing suggest that this variant may create or strengthen a splice site. This variant has not been reported in the literature in individuals affected with MTRR-related conditions. This variant is not present in population databases (gnomAD no frequency). This sequence change creates a premature translational stop signal (p.Tyr44*) in the MTRR gene. It is expected to result in an absent or disrupted protein product. Loss-of-function variants in MTRR are known to be pathogenic (PMID: 15714522).

Literature cited by the submitters: PubMed 15714522.

NM_002454.3(MTRR):c.132T>G (p.Tyr44Ter)

Gene: MTRR (5-methyltetrahydrofolate-homocysteine methyltransferase reductase; plus strand). Cytogenetic location: 5p15.31.
Variant type: single nucleotide variant.
Coding change: c.132T>G on transcript NM_002454.3 (MANE Select); coding-DNA position 132, T replaced by G.
Protein change: p.Tyr44Ter; replaces tyrosine 44 with a stop codon.
Molecular consequence: nonsense. On other transcripts: non-coding transcript variant (8).
Genome position (GRCh38, 1-based): chr5:7,873,375, T>G. VCF-style: chr5-7873375-T-G. GRCh37 (hg19) VCF-style: chr5-7873488-T-G.
Other names: c.132T>G, p.Tyr44Ter (NM_001364440.2, NM_001364441.2, NM_001364442.2 and 1 more transcripts); short protein forms Y44*.
Identifiers: ClinVar variation 2860065 (VCV002860065.3), dbSNP rs146940932, ClinGen allele CA359156070.